The following is an entry in ClinVar:

NM_004972.4(JAK2):c.3255T>A (p.Asn1085Lys)

Genes: INSL6 (insulin like 6; minus strand), JAK2 (Janus kinase 2; plus strand). Cytogenetic location: 9p24.1.
Variant type: single nucleotide variant.
Coding change: c.3255T>A on transcript NM_004972.4 (MANE Select); coding-DNA position 3255, T replaced by A.
Protein change: p.Asn1085Lys; replaces asparagine 1085 with lysine.
Molecular consequence: missense variant. On other transcripts: non-coding transcript variant (2).
Genome position (GRCh38, 1-based): chr9:5,126,410, T>A. VCF-style: chr9-5126410-T-A. GRCh37 (hg19) VCF-style: chr9-5126410-T-A.
Other names: c.3255T>A, p.Asn1085Lys (NM_001322194.2, NM_001322195.2, NM_001322196.2); c.2040T>A, p.Asn680Lys (NM_001322198.2, NM_001322199.2); c.2808T>A, p.Asn936Lys (NM_001322204.2); short protein forms N1085K, N936K, N680K.
Identifiers: ClinVar variation 1934409 (VCV001934409.5), dbSNP rs1415418924, ClinGen allele CA372830405.

ClinVar aggregate classification (germline): Uncertain significance (1 of 4 stars; one submission).

Submission:

Labcorp Genetics (formerly Invitae), Labcorp
Classification: Uncertain significance. Last evaluated: 2022-09-21. Review status: criteria provided, single submitter. Criteria: Invitae Variant Classification Sherloc (09022015). Collection method: clinical testing. Allele origin: germline.
Comment: In summary, the available evidence is currently insufficient to determine the role of this variant in disease. Therefore, it has been classified as a Variant of Uncertain Significance. Advanced modeling of protein sequence and biophysical properties (such as structural, functional, and spatial information, amino acid conservation, physicochemical variation, residue mobility, and thermodynamic stability) performed at Invitae indicates that this missense variant is not expected to disrupt JAK2 protein function. This variant has not been reported in the literature in individuals affected with JAK2-related conditions. This variant is not present in population databases (gnomAD no frequency). This sequence change replaces asparagine, which is neutral and polar, with lysine, which is basic and polar, at codon 1085 of the JAK2 protein (p.Asn1085Lys).